The following is an entry in ClinVar:

NM_001371986.1(UNC80):c.5706_5710del (p.Gln1903fs)

Gene: UNC80 (unc-80 subunit of NALCN channel complex; plus strand). Cytogenetic location: 2q34.
Variant type: Deletion.
Coding change: c.5706_5710del on transcript NM_001371986.1 (MANE Select); coding-DNA positions 5706 to 5710, 5 bases deleted (TCAGC; older notation c.5706_5710delTCAGC).
Protein change: p.Gln1903fs; shifts the reading frame from glutamine 1903.
Molecular consequence: frameshift variant.
Genome position (GRCh38, 1-based): chr2:209,926,886-209,926,890, TCAGC deleted; deleting any 5 consecutive bases within chr2:209,926,885-209,926,890 gives the same sequence; the c. name uses the placement nearest the transcript's 3' end. VCF-style (leftmost placement, unchanged base first): chr2-209926884-CCTCAG-C. GRCh37 (hg19) VCF-style: chr2-210791608-CCTCAG-C.
Other names: c.5508_5512del, p.Gln1837fs (NM_032504.2); c.5493_5497del, p.Gln1832fs (NM_182587.4); short protein forms Q1903fs, Q1832fs, Q1837fs.
Identifiers: ClinVar variation 2032268 (VCV002032268.4), dbSNP rs2471142150, ClinGen allele CA2580065501.
Genomic context (GRCh38, chr2:209,926,884, plus strand): 5'-ATTTTGTCTCCCATTTTAGATGAGGAACATACCACTGAACACACGCCGAACCACCATGTG[CCTCAG>C]CCCCCACAAGCAGTGTTCCCAGCATGCATCTGTGCAGCAGTACTTCCCATTGTTCATCTG-3'

ClinVar aggregate classification (germline): Pathogenic (1 of 4 stars; one submission).

Submission:

Labcorp Genetics (formerly Invitae), Labcorp
Classification: Pathogenic. Last evaluated: 2023-03-12. Review status: criteria provided, single submitter. Criteria: Invitae Variant Classification Sherloc (09022015). Collection method: clinical testing. Allele origin: germline.
Comment: For these reasons, this variant has been classified as Pathogenic. ClinVar contains an entry for this variant (Variation ID: 2032268). This variant has not been reported in the literature in individuals affected with UNC80-related conditions. This variant is not present in population databases (gnomAD no frequency). This sequence change creates a premature translational stop signal (p.Gln1837Profs*24) in the UNC80 gene. It is expected to result in an absent or disrupted protein product. Loss-of-function variants in UNC80 are known to be pathogenic (PMID: 26545877, 26708751, 26708753).

Literature cited by the submitters: PubMed 26545877; PubMed 26708751; PubMed 26708753.